The following is an entry in ClinVar:

ClinVar aggregate classification (germline): Uncertain significance. Review status: criteria provided, multiple submitters, no conflicts (2 of 4 stars). 2 submissions from 2 submitters: Uncertain significance (2). Last evaluated 2025-06-03.

Conditions:
Tuberous sclerosis 2 (TSC2). Identifiers: Orphanet 805, MedGen C1860707, MONDO:0013199, OMIM 613254.
Hereditary cancer-predisposing syndrome. Also called: Hereditary Cancer Syndrome; Neoplastic Syndromes, Hereditary; Tumor predisposition; Hereditary neoplastic syndrome. Identifiers: Orphanet 140162, MedGen C0027672, MeSH D009386, MONDO:0015356.

Submissions (2):

Ambry Genetics
Classification: Uncertain significance for Hereditary cancer-predisposing syndrome. Last evaluated: 2025-06-03. Review status: criteria provided, single submitter. Criteria: Ambry Variant Classification Scheme 2023. Collection method: clinical testing. Allele origin: germline.
Comment: The p.I1582T variant (also known as c.4745T>C), located in coding exon 36 of the TSC2 gene, results from a T to C substitution at nucleotide position 4745. The isoleucine at codon 1582 is replaced by threonine, an amino acid with similar properties. This amino acid position is conserved. In addition, this alteration is predicted to be deleterious by in silico analysis. Based on the available evidence, the clinical significance of this variant remains unclear.

Labcorp Genetics (formerly Invitae), Labcorp
Classification: Uncertain significance for Tuberous sclerosis 2. Last evaluated: 2021-11-12. Review status: criteria provided, single submitter. Criteria: Invitae Variant Classification Sherloc (09022015). Collection method: clinical testing. Allele origin: germline.
Comment: This sequence change replaces isoleucine, which is neutral and non-polar, with threonine, which is neutral and polar, at codon 1582 of the TSC2 protein (p.Ile1582Thr). In summary, the available evidence is currently insufficient to determine the role of this variant in disease. Therefore, it has been classified as a Variant of Uncertain Significance. Algorithms developed to predict the effect of missense changes on protein structure and function are either unavailable or do not agree on the potential impact of this missense change (SIFT: "Deleterious"; PolyPhen-2: "Probably Damaging"; Align-GVGD: "Class C0"). This variant has not been reported in the literature in individuals affected with TSC2-related conditions. This variant is not present in population databases (gnomAD no frequency).

NM_000548.5(TSC2):c.4745T>C (p.Ile1582Thr)

Gene: TSC2 (TSC complex subunit 2; plus strand). Cytogenetic location: 16p13.3.
Variant type: single nucleotide variant.
Coding change: c.4745T>C on transcript NM_000548.5 (MANE Select); coding-DNA position 4745, T replaced by C.
Protein change: p.Ile1582Thr; replaces isoleucine 1582 with threonine.
Molecular consequence: missense variant.
Genome position (GRCh38, 1-based): chr16:2,086,275, T>C. VCF-style: chr16-2086275-T-C. GRCh37 (hg19) VCF-style: chr16-2136276-T-C.
Other names: c.4544T>C, p.Ile1515Thr (NM_001077183.3); c.4676T>C, p.Ile1559Thr (NM_001114382.3); c.4436T>C, p.Ile1479Thr (NM_001318827.2); c.4400T>C, p.Ile1467Thr (NM_001318829.2); c.4013T>C, p.Ile1338Thr (NM_001318831.2); c.4577T>C, p.Ile1526Thr (NM_001318832.2); c.4547T>C, p.Ile1516Thr (NM_001363528.2); c.4613T>C, p.Ile1538Thr (NM_001370404.1); and 1 more; short protein forms I1338T, I1582T, I1526T, I1467T, I1479T, I1538T, I1539T, I1515T.
Identifiers: ClinVar variation 1350932 (VCV001350932.9), dbSNP rs2151572644, ClinGen allele CA394307694.